The following is an entry in ClinVar:

NM_004006.3(DMD):c.1354C>G (p.Leu452Val)

Gene: DMD (dystrophin; minus strand). Cytogenetic location: Xp21.1.
Variant type: single nucleotide variant.
Coding change: c.1354C>G on transcript NM_004006.3 (MANE Select); coding-DNA position 1354, C replaced by G.
Protein change: p.Leu452Val; replaces leucine 452 with valine.
Molecular consequence: missense variant.
Genome position (GRCh38, 1-based): chrX:32,614,431, G>C on the plus strand (C>G on the coding strand, the complement: DMD is on the minus strand). VCF-style: chrX-32614431-G-C. GRCh37 (hg19) VCF-style: chrX-32632548-G-C.
Other names: c.1330C>G, p.Leu444Val (NM_000109.4); c.1342C>G, p.Leu448Val (NM_004009.3); c.985C>G, p.Leu329Val (NM_004010.3); short protein forms L329V, L444V, L448V, L452V.
Identifiers: ClinVar variation 4800986 (VCV004800986.1).

ClinVar aggregate classification (germline): Uncertain significance (1 of 4 stars; one submission).

Conditions:
Duchenne muscular dystrophy (DMD). Also called: Duchenne Muscular Dystrophy (DMD); MUSCULAR DYSTROPHY, PSEUDOHYPERTROPHIC PROGRESSIVE, DUCHENNE TYPE. Identifiers: Orphanet 98896, MedGen C0013264, MONDO:0010679, OMIM 310200.

Submission:

Labcorp Genetics (formerly Invitae), Labcorp
Classification: Uncertain significance for Duchenne muscular dystrophy. Last evaluated: 2025-08-31. Review status: criteria provided, single submitter. Criteria: Invitae Variant Classification Sherloc (09022015). Collection method: clinical testing. Allele origin: germline.
Comment: This sequence change replaces leucine, which is neutral and non-polar, with valine, which is neutral and non-polar, at codon 452 of the DMD protein (p.Leu452Val). This variant is not present in population databases (gnomAD no frequency). This variant has not been reported in the literature in individuals affected with DMD-related conditions. Invitae Evidence Modeling of protein sequence and biophysical properties (such as structural, functional, and spatial information, amino acid conservation, physicochemical variation, residue mobility, and thermodynamic stability) indicates that this missense variant is not expected to disrupt DMD protein function with a negative predictive value of 95%. In summary, the available evidence is currently insufficient to determine the role of this variant in disease. Therefore, it has been classified as a Variant of Uncertain Significance.